The following is an entry in ClinVar:

NM_003079.5(SMARCE1):c.686G>A (p.Arg229Gln)

Gene: SMARCE1 (SWI/SNF related BAF chromatin remodeling complex subunit E1; minus strand). Cytogenetic location: 17q21.2.
Variant type: single nucleotide variant.
Coding change: c.686G>A on transcript NM_003079.5 (MANE Select); coding-DNA position 686, G replaced by A.
Protein change: p.Arg229Gln; replaces arginine 229 with glutamine.
Molecular consequence: missense variant.
Genome position (GRCh38, 1-based): chr17:40,632,223, C>T on the plus strand (G>A on the coding strand, the complement: SMARCE1 is on the minus strand). VCF-style: chr17-40632223-C-T. GRCh37 (hg19) VCF-style: chr17-38788475-C-T.
Other names: short protein forms R229Q.
Identifiers: ClinVar variation 960206 (VCV000960206.12), dbSNP rs768981981, ClinGen allele CA8545202.

ClinVar aggregate classification (germline): Uncertain significance. Review status: criteria provided, multiple submitters, no conflicts (2 of 4 stars). 2 submissions from 2 submitters: Uncertain significance (2). Last evaluated 2025-12-12.

Conditions:
Hereditary cancer-predisposing syndrome. Also called: Tumor predisposition; Hereditary neoplastic syndrome; Neoplastic Syndromes, Hereditary; Hereditary Cancer Syndrome. Identifiers: Orphanet 140162, MedGen C0027672, MeSH D009386, MONDO:0015356.
Familial meningioma. Also called: Meningioma, familial, susceptibility to. Identifiers: Orphanet 263662, MedGen C3551915, MONDO:0011789, OMIM 607174.

Allele frequency attached by ClinVar (database versions not stated): gnomAD exomes below 0.00001; TOPMed below 0.00001; ExAC 0.00001.
gnomAD v4.1: 4 of 1,613,366 alleles (0.00025%); highest among the groups gnomAD compares: Non-Finnish European, 0.00034%; no homozygotes.

Submissions (2):

Labcorp Genetics (formerly Invitae), Labcorp
Classification: Uncertain significance for Familial meningioma. Last evaluated: 2025-12-12. Review status: criteria provided, single submitter. Criteria: Invitae Variant Classification Sherloc (09022015). Collection method: clinical testing. Allele origin: germline.
Comment: This sequence change replaces arginine, which is basic and polar, with glutamine, which is neutral and polar, at codon 229 of the SMARCE1 protein (p.Arg229Gln). This variant is present in population databases (rs768981981, gnomAD 0.0009%). This variant has not been reported in the literature in individuals affected with SMARCE1-related conditions. ClinVar contains an entry for this variant (Variation ID: 960206). Invitae Evidence Modeling of protein sequence and biophysical properties (such as structural, functional, and spatial information, amino acid conservation, physicochemical variation, residue mobility, and thermodynamic stability) indicates that this missense variant is not expected to disrupt SMARCE1 protein function with a negative predictive value of 80%. In summary, the available evidence is currently insufficient to determine the role of this variant in disease. Therefore, it has been classified as a Variant of Uncertain Significance.

Ambry Genetics
Classification: Uncertain significance for Hereditary cancer-predisposing syndrome. Last evaluated: 2020-08-11. Review status: criteria provided, single submitter. Criteria: Ambry Variant Classification Scheme 2023. Collection method: clinical testing. Allele origin: germline.
Comment: The p.R229Q variant (also known as c.686G>A), located in coding exon 7 of the SMARCE1 gene, results from a G to A substitution at nucleotide position 686. The arginine at codon 229 is replaced by glutamine, an amino acid with highly similar properties. This amino acid position is highly conserved in available vertebrate species. In addition, the in silico prediction for this alteration is inconclusive. Since supporting evidence is limited at this time, the clinical significance of this alteration remains unclear.